The following is an entry in ClinVar:

NM_014975.3(MAST1):c.101G>C (p.Arg34Pro)

Gene: MAST1 (microtubule associated serine/threonine kinase 1; plus strand). Cytogenetic location: 19p13.13.
Variant type: single nucleotide variant.
Coding change: c.101G>C on transcript NM_014975.3 (MANE Select); coding-DNA position 101, G replaced by C.
Protein change: p.Arg34Pro; replaces arginine 34 with proline.
Molecular consequence: missense variant.
Genome position (GRCh38, 1-based): chr19:12,840,463, G>C. VCF-style: chr19-12840463-G-C. GRCh37 (hg19) VCF-style: chr19-12951277-G-C.
Other names: short protein forms R34P.
Identifiers: ClinVar variation 3384279 (VCV003384279.3).

ClinVar aggregate classification (germline): Uncertain significance. Review status: criteria provided, multiple submitters, no conflicts (2 of 4 stars). 2 submissions from 2 submitters: Uncertain significance (2). Last evaluated 2024-06-07.

Conditions:
Mega-corpus-callosum syndrome with cerebellar hypoplasia and cortical malformations. Identifiers: MedGen C4748927, MONDO:0032648, OMIM 618273.

gnomAD v4.1: 1 of 1,613,712 alleles (0.000062%); highest among the groups gnomAD compares: Non-Finnish European, 0.000085%; no homozygotes.

Submissions (2):

GeneDx
Classification: Uncertain significance. Last evaluated: 2024-06-07. Review status: criteria provided, single submitter. Criteria: GeneDx Variant Classification Process June 2021. Collection method: clinical testing. Allele origin: germline. Affected: yes.
Comment: Not observed at significant frequency in large population cohorts (gnomAD); In silico analysis supports that this missense variant has a deleterious effect on protein structure/function; Has not been previously published as pathogenic or benign to our knowledge; In silico analysis is inconclusive as to whether the variant alters gene splicing. In the absence of RNA/functional studies, the actual effect of this sequence change is unknown.

Juno Genomics, Hangzhou Juno Genomics, Inc
Classification: Uncertain significance for Mega-corpus-callosum syndrome with cerebellar hypoplasia and cortical malformations. Review status: criteria provided, single submitter. Criteria: ACMG Guidelines, 2015. Collection method: clinical testing. Allele origin: germline.
Comment: Missense variant in a gene that has a low rate of benign missense variation.;Multiple lines of computational evidence support a deleterious effect on the gene or gene product.;Absent from controls (or at extremely low frequency if recessive) in Genome Aggregation Database.